The following is an entry in ClinVar:

NM_000540.3(RYR1):c.668A>G (p.His223Arg)

Gene: RYR1 (ryanodine receptor 1; plus strand). Cytogenetic location: 19q13.2.
Variant type: single nucleotide variant.
Coding change: c.668A>G on transcript NM_000540.3 (MANE Select); coding-DNA position 668, A replaced by G.
Protein change: p.His223Arg; replaces histidine 223 with arginine.
Molecular consequence: missense variant.
Genome position (GRCh38, 1-based): chr19:38,446,508, A>G. VCF-style: chr19-38446508-A-G. GRCh37 (hg19) VCF-style: chr19-38937148-A-G.
Other names: c.668A>G, p.His223Arg (NM_001042723.2); short protein forms H223R.
Identifiers: ClinVar variation 808528 (VCV000808528.52), dbSNP rs766836202, ClinGen allele CA068570.

ClinVar aggregate classification (germline): Conflicting classifications of pathogenicity. Review status: criteria provided, conflicting classifications (1 of 4 stars). 6 submissions from 6 submitters: Likely pathogenic (1); Uncertain significance (5). Last evaluated 2026-01-12.

Conditions:
King Denborough syndrome (KDS). Identifiers: MedGen C1840365, MONDO:0020485, OMIM 619542.
Congenital multicore myopathy with external ophthalmoplegia (CMYO1B). Also called: Congenital myopathy 1B, autosomal recessive; Minicore myopathy; MULTIMINICORE DISEASE WITH EXTERNAL OPHTHALMOPLEGIA; Minicore myopathy with external ophthalmoplegia; MULTICORE MYOPATHY. Identifiers: Orphanet 598, Orphanet 98905, MedGen C1850674, MONDO:0009712, OMIM 255320, HP:0003789.
Central core myopathy (CMYO1A). Also called: CONGENITAL MYOPATHY 1A, AUTOSOMAL DOMINANT, WITH SUSCEPTIBILITY TO MALIGNANT HYPERTHERMIA; Central core disease; Myopathy, central fibrillar. Identifiers: Orphanet 597, MedGen C5830701, MONDO:0007294, OMIM 117000.
Malignant hyperthermia, susceptibility to, 1 (MHS1). Also called: Malignant hyperthermia suceptibility 1; RYR1-Related Malignant Hyperthermia Susceptibility; Anesthesia related hyperthermia; Malignant hyperpyrexia; Fulminating hyperpyrexia; Pharmacogenic myopathy. Identifiers: Orphanet 423, MedGen C2930980, MONDO:0007783, OMIM 145600.
Congenital myopathy with fiber type disproportion. Also called: Congenital fiber-type disproportion; Congenital fiber-type disproportion myopathy. Identifiers: Orphanet 2020, MedGen C0546264, MONDO:0009711. Inheritance: all.
RYR1-related disorder. Also called: RYR1-related condition; RYR1-related disorders. Identifiers: MedGen CN239331.

Allele frequency attached by ClinVar (database versions not stated): ExAC 0.00001; gnomAD 0.00001; gnomAD exomes 0.00001; TOPMed 0.00001.
gnomAD v4.1: 21 of 1,613,956 alleles (0.0013%); highest among the groups gnomAD compares: Non-Finnish European, 0.0017%; no homozygotes.

Submissions (6):

Labcorp Genetics (formerly Invitae), Labcorp
Classification: Uncertain significance for RYR1-related disorder. Last evaluated: 2026-01-12. Review status: criteria provided, single submitter. Criteria: Invitae Variant Classification Sherloc (09022015). Collection method: clinical testing. Allele origin: germline.
Comment: This sequence change replaces histidine, which is basic and polar, with arginine, which is basic and polar, at codon 223 of the RYR1 protein (p.His223Arg). This variant is present in population databases (rs766836202, gnomAD 0.003%). This missense change has been observed in individual(s) with congenital myopathy (internal data). ClinVar contains an entry for this variant (Variation ID: 808528). Invitae Evidence Modeling of protein sequence and biophysical properties (such as structural, functional, and spatial information, amino acid conservation, physicochemical variation, residue mobility, and thermodynamic stability) has been performed for this missense variant. However, the output from this modeling did not meet the statistical confidence thresholds required to predict the impact of this variant on RYR1 protein function. In summary, the available evidence is currently insufficient to determine the role of this variant in disease. Therefore, it has been classified as a Variant of Uncertain Significance.

Institute of Human Genetics, Heidelberg University
Classification: Likely pathogenic for Malignant hyperthermia, susceptibility to, 1. Last evaluated: 2024-09-06. Review status: criteria provided, single submitter. Criteria: ACMG Guidelines, 2015. Collection method: clinical testing. Allele origin: germline. Observed: 2 variant alleles.
Comment: secondary finding

All of Us Research Program, National Institutes of Health
Classification: Uncertain significance for Malignant hyperthermia, susceptibility to, 1. Last evaluated: 2023-12-18. Review status: criteria provided, single submitter. Criteria: ACMG Guidelines, 2015. Collection method: clinical testing. Allele origin: germline. Inheritance: Autosomal dominant inheritance. Observed: 5 variant alleles, 5 heterozygotes.
Comment: This missense variant replaces histidine with arginine at codon 223 of the RYR1 protein. Computational prediction suggests that this variant may have deleterious impact on protein structure and function (internally defined REVEL score threshold >= 0.85, PMID: 27666373). his variant occurs in the N-terminal region (a.a. 1-552) of the RYR1 protein that is considered to be a hotspot for pathogenic variants that contribute to malignant hyperthermia susceptibility (PMID: 21118704). To our knowledge, functional studies have not been reported for this variant. This variant has not been reported in individuals affected with autosomal dominant malignant hyperthermia in the literature, although it has been reported in individuals with other phenotype(s) (Clinvar Variation ID: 808528; PMID: 33037202). This variant has been identified in 4/282866 chromosomes in the general population by the Genome Aggregation Database (gnomAD). Due to insufficient evidence, this variant is classified as a Variant of Uncertain Significance for autosomal dominant malignant hyperthermia.

This study involves interpretation of variants in research participants for the purpose of population health screening. Participant phenotype was not available at the time of variant classification. Additional details can be found in publication PMID: 35346344, PMCID: PMC8962531

Color Diagnostics, LLC DBA Color Health
Classification: Uncertain significance for Malignant hyperthermia, susceptibility to, 1. Last evaluated: 2023-11-28. Review status: criteria provided, single submitter. Criteria: ACMG Guidelines, 2015. Collection method: clinical testing. Allele origin: germline.
Comment: This missense variant replaces histidine with arginine at codon 223 of the RYR1 protein. Computational prediction suggests that this variant may have deleterious impact on protein structure and function. his variant occurs in the N-terminal region (a.a. 1-552) of the RYR1 protein that is considered to be a hotspot for pathogenic variants that contribute to malignant hyperthermia susceptibility (PMID: 21118704). To our knowledge, functional studies have not been reported for this variant. This variant has not been reported in individuals affected with autosomal dominant malignant hyperthermia in the literature, although it has been reported in individuals with other phenotype(s) (Clinvar Variation ID: 808528PMID: 33037202). This variant has been identified in 4/282866 chromosomes in the general population by the Genome Aggregation Database (gnomAD). Due to insufficient evidence, this variant is classified as a Variant of Uncertain Significance for autosomal dominant malignant hyperthermia.

Fulgent Genetics
Classification: Uncertain significance for Central core myopathy; Malignant hyperthermia, susceptibility to, 1; Congenital myopathy 4A, autosomal dominant; Congenital multicore myopathy with external ophthalmoplegia; King Denborough syndrome. Last evaluated: 2022-01-11. Review status: criteria provided, single submitter. Criteria: ACMG Guidelines, 2015. Collection method: clinical testing. Allele origin: unknown.

CeGaT Center for Human Genetics Tuebingen
Classification: Uncertain significance. Last evaluated: 2019-05-01. Review status: criteria provided, single submitter. Criteria: CeGaT Center For Human Genetics Tuebingen Variant Classification Criteria Version 2. Collection method: clinical testing. Allele origin: germline. Affected: yes. Observed: 1 variant allele.

Literature cited by the submitters: PubMed 21118704 (cited by All of Us Research Program, National Institutes of Health and Color Diagnostics, LLC DBA Color Health); PubMed 33037202 (cited by All of Us Research Program, National Institutes of Health).